The following is an entry in ClinVar:

ClinVar aggregate classification (germline): Uncertain significance. Review status: criteria provided, multiple submitters, no conflicts (2 of 4 stars). 4 submissions from 4 submitters: Uncertain significance (4). Last evaluated 2026-06-16.

Conditions:
ALPK3-related disorder. Also called: ALPK3-related condition.
Cardiovascular phenotype. Identifiers: MedGen CN230736.

Allele frequency attached by ClinVar (database versions not stated): ExAC 0.00002; gnomAD exomes 0.00002; TOPMed 0.00002; gnomAD 0.00003.
gnomAD v4.1: 35 of 1,613,942 alleles (0.0022%); highest among the groups gnomAD compares: African/African-American, 0.0053%; no homozygotes.

Submissions (4):

PreventionGenetics, part of Exact Sciences
Classification: Uncertain significance for ALPK3-related condition. Last evaluated: 2026-06-16. Review status: criteria provided, single submitter. Criteria: ACMG Guidelines, 2015. Collection method: clinical testing. Allele origin: germline.
Comment: The ALPK3 c.904G>A variant is predicted to result in the amino acid substitution p.Val302Ile. To our knowledge, this variant has not been reported in the literature. This variant is reported in 0.0065% of alleles in individuals of South Asian descent in gnomAD. At this time, the clinical significance of this variant is uncertain due to the absence of conclusive functional and genetic evidence.

Labcorp Genetics (formerly Invitae), Labcorp
Classification: Uncertain significance. Last evaluated: 2025-04-19. Review status: criteria provided, single submitter. Criteria: Invitae Variant Classification Sherloc (09022015). Collection method: clinical testing. Allele origin: germline.
Comment: This sequence change replaces valine, which is neutral and non-polar, with isoleucine, which is neutral and non-polar, at codon 302 of the ALPK3 protein (p.Val302Ile). This variant is present in population databases (rs535488179, gnomAD 0.006%). This variant has not been reported in the literature in individuals affected with ALPK3-related conditions. ClinVar contains an entry for this variant (Variation ID: 1407782). An algorithm developed to predict the effect of missense changes on protein structure and function outputs the following: PolyPhen-2: "Benign". The isoleucine amino acid residue is found in multiple mammalian species, which suggests that this missense change does not adversely affect protein function. In summary, the available evidence is currently insufficient to determine the role of this variant in disease. Therefore, it has been classified as a Variant of Uncertain Significance.

GeneDx
Classification: Uncertain significance. Last evaluated: 2023-08-21. Review status: criteria provided, single submitter. Criteria: GeneDx Variant Classification Process June 2021. Collection method: clinical testing. Allele origin: germline. Affected: yes.
Comment: Has not been previously published as pathogenic or benign to our knowledge; Not observed at significant frequency in large population cohorts (gnomAD); In silico analysis supports that this missense variant does not alter protein structure/function

Ambry Genetics
Classification: Uncertain significance for Cardiovascular phenotype. Last evaluated: 2023-04-14. Review status: criteria provided, single submitter. Criteria: Ambry Variant Classification Scheme 2023. Collection method: clinical testing. Allele origin: germline.
Comment: The p.V302I variant (also known as c.904G>A), located in coding exon 3 of the ALPK3 gene, results from a G to A substitution at nucleotide position 904. The valine at codon 302 is replaced by isoleucine, an amino acid with highly similar properties. This amino acid position is well conserved in available vertebrate species. In addition, this alteration is predicted to be tolerated by in silico analysis. Since supporting evidence is limited at this time, the clinical significance of this alteration remains unclear.

NM_020778.5(ALPK3):c.298G>A (p.Val100Ile)

Gene: ALPK3 (alpha kinase 3; plus strand). Cytogenetic location: 15q25.3.
Variant type: single nucleotide variant.
Coding change: c.298G>A on transcript NM_020778.5 (MANE Select); coding-DNA position 298, G replaced by A.
Protein change: p.Val100Ile; replaces valine 100 with isoleucine.
Molecular consequence: missense variant.
Genome position (GRCh38, 1-based): chr15:84,827,599, G>A. VCF-style: chr15-84827599-G-A. GRCh37 (hg19) VCF-style: chr15-85370830-G-A.
Other names: c.904G>A (NM_020778.4); short protein forms V100I.
Identifiers: ClinVar variation 1407782 (VCV001407782.12), dbSNP rs535488179, ClinGen allele CA7708918.
Genomic context (GRCh38, chr15:84,827,599, plus strand): 5'-GAGACCACGCTCAAGTCCCGGTCTGTGTCCGAGGACAGCGACGTCAGGTTCACCTGCATC[G>A]TCACAGGTAAGGATGCTGTCTGTATGCTCCATGCCAGGGCCTCTGCACAGAGCAGGGTCC-3'
Protein context (NP_065829.4, residues 90-110): EDSDVRFTCI[Val100Ile]TGYPEPEVTW